The following is an entry in ClinVar:

ClinVar aggregate classification (germline): Uncertain significance. Review status: criteria provided, multiple submitters, no conflicts (2 of 4 stars). 2 submissions from 2 submitters: Uncertain significance (2). Last evaluated 2025-12-06.

Conditions:
Hereditary cancer-predisposing syndrome. Also called: Tumor predisposition; Neoplastic Syndromes, Hereditary; Hereditary neoplastic syndrome; Hereditary Cancer Syndrome. Identifiers: Orphanet 140162, MedGen C0027672, MeSH D009386, MONDO:0015356.
Multiple endocrine neoplasia type 4. Also called: MULTIPLE ENDOCRINE NEOPLASIA, TYPE IV. Identifiers: Orphanet 276152, MedGen C1970712, MONDO:0012552, OMIM 610755.

Submissions (2):

Ambry Genetics
Classification: Uncertain significance for Hereditary cancer-predisposing syndrome. Last evaluated: 2025-12-06. Review status: criteria provided, single submitter. Criteria: Ambry Variant Classification Scheme 2023. Collection method: clinical testing. Allele origin: germline.
Comment: The p.K100N variant (also known as c.300G>C), located in coding exon 1 of the CDKN1B gene, results from a G to C substitution at nucleotide position 300. The lysine at codon 100 is replaced by asparagine, an amino acid with similar properties. This amino acid position is conserved. In addition, this alteration is predicted to be tolerated by in silico analysis. Based on the available evidence, the clinical significance of this variant remains unclear.

Labcorp Genetics (formerly Invitae), Labcorp
Classification: Uncertain significance for Multiple endocrine neoplasia type 4. Last evaluated: 2025-02-03. Review status: criteria provided, single submitter. Criteria: Invitae Variant Classification Sherloc (09022015). Collection method: clinical testing. Allele origin: germline.
Comment: This sequence change replaces lysine, which is basic and polar, with asparagine, which is neutral and polar, at codon 100 of the CDKN1B protein (p.Lys100Asn). This variant is not present in population databases (gnomAD no frequency). This variant has not been reported in the literature in individuals affected with CDKN1B-related conditions. ClinVar contains an entry for this variant (Variation ID: 1897488). An algorithm developed to predict the effect of missense changes on protein structure and function (PolyPhen-2) suggests that this variant is likely to be disruptive. In summary, the available evidence is currently insufficient to determine the role of this variant in disease. Therefore, it has been classified as a Variant of Uncertain Significance.

NM_004064.5(CDKN1B):c.300G>C (p.Lys100Asn)

Gene: CDKN1B (cyclin dependent kinase inhibitor 1B; plus strand). Cytogenetic location: 12p13.1.
Variant type: single nucleotide variant.
Coding change: c.300G>C on transcript NM_004064.5 (MANE Select); coding-DNA position 300, G replaced by C.
Protein change: p.Lys100Asn; replaces lysine 100 with asparagine.
Molecular consequence: missense variant.
Genome position (GRCh38, 1-based): chr12:12,718,139, G>C. VCF-style: chr12-12718139-G-C. GRCh37 (hg19) VCF-style: chr12-12871073-G-C.
Other names: c.300G>C (NM_004064.3); short protein forms K100N.
Identifiers: ClinVar variation 1897488 (VCV001897488.6), dbSNP rs1555085583, ClinGen allele CA383970120.